The following is an entry in ClinVar:

NM_002457.5(MUC2):c.4353C>T (p.Thr1451=)

Gene: MUC2 (mucin 2, oligomeric mucus/gel-forming; plus strand). Cytogenetic location: 11p15.5.
Variant type: single nucleotide variant.
Coding change: c.4353C>T on transcript NM_002457.5 (MANE Select); coding-DNA position 4353, C replaced by T.
Protein change: p.Thr1451=; no amino-acid change (threonine 1451 retained).
Molecular consequence: synonymous variant.
Genome position (GRCh38, 1-based): chr11:1,094,596, C>T. VCF-style: chr11-1094596-C-T. GRCh37 (hg19) VCF-style: chr11-1092534-C-T.
Identifiers: ClinVar variation 2641130 (VCV002641130.24), dbSNP rs796488792, ClinGen allele CA216996702.

ClinVar aggregate classification (germline): Likely benign (1 of 4 stars; one submission).

Submission:

CeGaT Center for Human Genetics Tuebingen
Classification: Likely benign. Last evaluated: 2023-08-01. Review status: criteria provided, single submitter. Criteria: CeGaT Center For Human Genetics Tuebingen Variant Classification Criteria Version 2. Collection method: clinical testing. Allele origin: germline. Affected: yes. Observed: 1 variant allele.
Comment: MUC2: BP4, BP7